The following is an entry in ClinVar:

NM_001145073.3(USP27X):c.453G>T (p.Trp151Cys)

Gene: USP27X (ubiquitin specific peptidase 27 X-linked; plus strand). Cytogenetic location: Xp11.23.
Variant type: single nucleotide variant.
Coding change: c.453G>T on transcript NM_001145073.3 (MANE Select); coding-DNA position 453, G replaced by T.
Protein change: p.Trp151Cys; replaces tryptophan 151 with cysteine.
Molecular consequence: missense variant.
Genome position (GRCh38, 1-based): chrX:49,880,760, G>T. VCF-style: chrX-49880760-G-T. GRCh37 (hg19) VCF-style: chrX-49645363-G-T.
Other names: short protein forms W151C.
Identifiers: ClinVar variation 4759462 (VCV004759462.1).
Genomic context (GRCh38, chrX:49,880,760, plus strand): 5'-GGAGTTGTATTCTGGAAACCCGTCTCCTCATGTGCCCTATAAGTTACTGCACCTGGTGTG[G>T]ATACATGCCCGCCATTTAGCAGGGTACAGGCAACAGGATGCCCACGAGTTCCTCATTGCA-3'
Protein context (NP_001138545.1, residues 141-161): HVPYKLLHLV[Trp151Cys]IHARHLAGYR

ClinVar aggregate classification (germline): Uncertain significance (1 of 4 stars; one submission).

Conditions:
Intellectual developmental disorder, X-linked 105. Also called: Intellectual disability, X-linked 105. Identifiers: MedGen C4310816, MONDO:0010510, OMIM 300984.

Submission:

Illumina Laboratory Services, Illumina
Classification: Uncertain significance for Intellectual developmental disorder, X-linked 105. Last evaluated: 2023-12-13. Review status: criteria provided, single submitter. Criteria: ISL SNV Classification Criteria 03 February 2026. Collection method: clinical testing. Allele origin: unknown.
Comment: The USP27X c.453G>T p.(Trp151Cys) missense variant has not, to our knowledge, been reported in the peer-reviewed literature. This variant is not observed in version 2.1.1 or version 4.0.0 of the Genome Aggregation Database. Based on the available evidence, the c.453G>T p.(Trp151Cys) variant is classified as a variant of uncertain significance for X-linked intellectual disability.